The following is an entry in ClinVar:

ClinVar aggregate classification (germline): Likely benign. Review status: criteria provided, multiple submitters, no conflicts (2 of 4 stars). 2 submissions from 2 submitters: Likely benign (2). Last evaluated 2026-09-25.

Conditions:
CACNA1C-related disorder. Also called: CACNA1C-related disorders; CACNA1C-related condition. Identifiers: MedGen CN381092, MONDO:0700321.
Long QT syndrome (LQTS). Identifiers: MedGen C0023976, MeSH D008133, MONDO:0002442. Disease mechanism: loss of function. Inheritance: Various modes of inheritance.

Allele frequency attached by ClinVar (database versions not stated): gnomAD exomes below 0.00001; TOPMed below 0.00001.
gnomAD v4.1: 4 of 1,613,920 alleles (0.00025%); highest among the groups gnomAD compares: African/African-American, 0.004%; no homozygotes.

Submissions (2):

PreventionGenetics, part of Exact Sciences
Classification: Likely benign for CACNA1C-related condition. Last evaluated: 2026-09-25. Review status: criteria provided, single submitter. Criteria: ACMG Guidelines, 2015. Collection method: clinical testing. Allele origin: germline.
Comment: This variant is classified as likely benign based on ACMG/AMP sequence variant interpretation guidelines (Richards et al. 2015 PMID: 25741868, with internal and published modifications).

Labcorp Genetics (formerly Invitae), Labcorp
Classification: Likely benign for Long QT syndrome. Last evaluated: 2025-11-09. Review status: criteria provided, single submitter. Criteria: Invitae Variant Classification Sherloc (09022015). Collection method: clinical testing. Allele origin: germline.

NM_000719.7(CACNA1C):c.3946-7G>A

Gene: CACNA1C (calcium voltage-gated channel subunit alpha1 C; plus strand). Cytogenetic location: 12p13.33.
Variant type: single nucleotide variant.
Coding change: c.3946-7G>A on transcript NM_000719.7 (MANE Select); 7 bases into the intron before coding-DNA position 3946, G replaced by A.
Molecular consequence: intron variant. On other transcripts: synonymous variant (1).
Genome position (GRCh38, 1-based): chr12:2,651,633, G>A. VCF-style: chr12-2651633-G-A. GRCh37 (hg19) VCF-style: chr12-2760799-G-A.
Other names: c.4005G>A (NM_001129829.1); c.4005G>A, p.Gly1335= (NM_001129829.2); c.3946-7G>A (NM_001167624.3, NM_001167623.2, NM_001129840.2 and 7 more transcripts); c.3913-7G>A (NM_001167625.2, NM_001129837.2, NM_001129838.2 and 1 more transcripts); c.4090-7G>A (NM_199460.4, NM_001129827.2); c.4006-7G>A (NM_001129832.2); c.4030-7G>A (NM_001129831.2); c.3907-7G>A (NM_001129839.2); and 2 more.
Identifiers: ClinVar variation 416865 (VCV000416865.10), dbSNP rs1060504923, ClinGen allele CA16613781.